The following is an entry in ClinVar:

NM_001042492.3(NF1):c.4293_4294dup (p.Pro1432fs)

Gene: NF1 (neurofibromin 1; plus strand). Cytogenetic location: 17q11.2.
Variant type: Duplication.
Coding change: c.4293_4294dup on transcript NM_001042492.3 (MANE Select); coding-DNA positions 4293 to 4294, 2 bases duplicated (AC; older notation c.4293_4294dupAC).
Protein change: p.Pro1432fs; shifts the reading frame from proline 1432.
Molecular consequence: frameshift variant.
Genome position (GRCh38, 1-based): chr17:31,258,463-31,258,464, AC duplicated; duplicating any 2 consecutive bases within chr17:31,258,462-31,258,464 gives the same sequence; the c. name uses the placement nearest the transcript's 3' end. VCF-style (leftmost placement, unchanged base first): chr17-31258461-C-CCA. GRCh37 (hg19) VCF-style: chr17-29585479-C-CCA.
Other names: c.4230_4231dup, p.Pro1411Hisfs (NM_000267.4); c.4230_4231dupAC (NM_000267.3); short protein forms P1411fs, P1432fs.
Identifiers: ClinVar variation 404424 (VCV000404424.5), dbSNP rs1555618552, ClinGen allele CA16615521.
Genomic context (GRCh38, chr17:31,258,461, plus strand): 5'-CTCAGATTTATCAATCCTGCCATTGTCTCACCGTATGAAGCAGGGATTTTAGATAAAAAG[C>CCA]CACCACCTAGAATCGAAAGGGGCTTGAAGTTAATGTCAAAGGTGAATTATTTTGATAATC-3'

ClinVar aggregate classification (germline): Pathogenic (1 of 4 stars; one submission).

Conditions:
Neurofibromatosis, type 1 (NF1). Also called: Neurofibromatosis, type I; NEUROFIBROMATOSIS, TYPE I, SOMATIC; Peripheral type neurofibromatosis; VON RECKLINGHAUSEN DISEASE. Identifiers: Orphanet 636, MedGen C0027831, MONDO:0018975, OMIM 162200. Disease mechanism: loss of function.

Submission:

Labcorp Genetics (formerly Invitae), Labcorp
Classification: Pathogenic for Neurofibromatosis, type 1. Last evaluated: 2016-04-19. Review status: criteria provided, single submitter. Criteria: Invitae Variant Classification Sherloc (09022015). Collection method: clinical testing. Allele origin: germline.
Comment: While this particular variant has not been reported in the literature, truncating variants in NF1 are known to be pathogenic (PMID: 10712197, 23913538). This sequence change inserts 2 nucleotides in exon 31 of the NF1 mRNA (c.4230_4231dupAC), causing a frameshift at codon 1411. This creates a premature translational stop signal (p.Pro1411Hisfs*9) and is expected to result in an absent or disrupted protein product. For these reasons, this variant has been classified as Pathogenic.

Literature cited by the submitters: PubMed 10712197; PubMed 23913538.